The following is an entry in ClinVar:

ClinVar aggregate classification (germline): Uncertain significance. Review status: criteria provided, multiple submitters, no conflicts (2 of 4 stars). 2 submissions from 2 submitters: Uncertain significance (2). Last evaluated 2025-07-02.

Conditions:
Inborn genetic diseases. Identifiers: MedGen C0950123, MeSH D030342.

Submissions (2):

GeneDx
Classification: Uncertain significance. Last evaluated: 2025-07-02. Review status: criteria provided, single submitter. Criteria: GeneDx Variant Classification Process June 2021. Collection method: clinical testing. Allele origin: germline. Affected: yes.
Comment: Not observed at significant frequency in large population cohorts (gnomAD); In silico analysis supports that this missense variant has a deleterious effect on protein structure/function; Has not been previously published as pathogenic or benign to our knowledge

Ambry Genetics
Classification: Uncertain significance for Inborn genetic diseases. Last evaluated: 2024-02-05. Review status: criteria provided, single submitter. Criteria: Ambry Variant Classification Scheme 2023. Collection method: clinical testing. Allele origin: germline.

NM_020719.3(PRR12):c.3454C>T (p.Pro1152Ser)

Gene: PRR12 (proline rich 12; plus strand). Cytogenetic location: 19q13.33.
Variant type: single nucleotide variant.
Coding change: c.3454C>T on transcript NM_020719.3 (MANE Select); coding-DNA position 3454, C replaced by T.
Protein change: p.Pro1152Ser; replaces proline 1152 with serine.
Molecular consequence: missense variant.
Genome position (GRCh38, 1-based): chr19:49,597,789, C>T. VCF-style: chr19-49597789-C-T. GRCh37 (hg19) VCF-style: chr19-50101046-C-T.
Other names: short protein forms P1152S.
Identifiers: ClinVar variation 3219292 (VCV003219292.2), dbSNP rs754675836, ClinGen allele CA406883923.